The following continues an entry in ClinVar:

NM_002473.6(MYH9):c.5797C>T (p.Arg1933Ter)

Gene: MYH9. ClinVar aggregate classification (germline): Pathogenic. Pathogenic (17).

Submissions 10 to 20 of 20:

Victorian Clinical Genetics Services, Murdoch Childrens Research Institute
Classification: Pathogenic for Macrothrombocytopenia and granulocyte inclusions with or without nephritis or sensorineural hearing loss. Last evaluated: 2022-06-24. Review status: criteria provided, single submitter. Criteria: ACMG Guidelines, 2015. Collection method: clinical testing. Allele origin: germline. Inheritance: Autosomal dominant inheritance. Affected: yes.
Comment: Based on the classification scheme VCGS_Germline_v1.3.4, this variant is classified as Pathogenic. Following criteria are met: 0103 - Dominant negative or loss of function are potential mechanisms of disease in this gene and are associated with deafness, autosomal dominant 17 (MIM#603622), and macrothrombocytopenia and granulocyte inclusions with or without nephritis or sensorineural hearing loss (MIM#155100). Although the disease mechanism is not well understood, several hypotheses have been proposed including variants that are partially deficient but not complete loss of function, variants that cause various degrees of protein aggregation with deleterious effect, and variants that impair the function of other myosins when copolymerised (PMID: 32545517). (I) 0107 - This gene is associated with autosomal dominant disease. (I) 0115 - Variants in this gene are known to have variable expressivity with regard to age of onset, severity of sensorineural deafness, and the presence or absence of glomerular nephropathy, presenile cataract, and alterations of liver enzymes (PMID: 20301740). (I) 0205 - Variant is predicted to result in a truncated protein (premature termination codon is NOT located at least 54 nucleotides upstream of the final exon-exon junction) with less than 1/3 of the protein sequence affected. (SP) 0251 - This variant is heterozygous. (I) 0302 - Variant is present in gnomAD (v3) <0.001 for a dominant condition (1 heterozygote, 0 homozygotes). (SP) 0702 - Other downstream truncating variants comparable to the one identified in this case have strong previous evidence for pathogenicity (DECIPHER). (SP) 0801 - This variant has strong previous evidence of pathogenicity in unrelated individuals. This variant has been observed in several families with thrombocytopenia (PMIDs: 29090586, 11159552) and classified as pathogenic by five clinical laboratories in ClinVar. (SP) 1208 - Inheritance information for this variant is not currently available in this individual. (I) Legend: (SP) - Supporting pathogenic, (I) - Information, (SB) - Supporting benign

Genetics and Molecular Pathology, SA Pathology
Classification: Pathogenic for Macrothrombocytopenia and granulocyte inclusions with or without nephritis or sensorineural hearing loss. Last evaluated: 2021-12-01. Review status: criteria provided, single submitter. Criteria: ACMG Guidelines, 2015. Collection method: clinical testing. Allele origin: germline. Inheritance: Autosomal dominant inheritance. Affected: yes.

CeGaT Center for Human Genetics Tuebingen
Classification: Pathogenic. Last evaluated: 2021-09-01. Review status: criteria provided, single submitter. Criteria: CeGaT Center For Human Genetics Tuebingen Variant Classification Criteria Version 2. Collection method: clinical testing. Allele origin: germline. Affected: yes. Observed: 2 variant alleles.

Revvity Omics, Revvity
Classification: Pathogenic. Last evaluated: 2021-07-08. Review status: criteria provided, single submitter. Criteria: ACMG Guidelines, 2015. Collection method: clinical testing. Allele origin: germline.

Institute of Medical Genetics and Applied Genomics, University Hospital Tübingen
Classification: Pathogenic. Last evaluated: 2020-10-23. Review status: criteria provided, single submitter. Criteria: ACMG Guidelines, 2015. Collection method: clinical testing. Allele origin: germline. Inheritance: Autosomal dominant inheritance. Affected: yes.

NIHR Bioresource Rare Diseases, University of Cambridge
Classification: Pathogenic for MYH9-related disorder. Last evaluated: 2018-12-12. Review status: criteria provided, single submitter. Criteria: ACMG Guidelines, 2015. Collection method: research. Allele origin: unknown. Inheritance: Autosomal dominant inheritance. Affected: yes. Observed: 1 variant allele, 2 heterozygotes.
Comment: PS4, PM2, PM1, PP4

ISTH-SSC Genomics in Thrombosis and Hemostasis, KU Leuven, Center for Molecular and Vascular Biology
Classification: Pathogenic for Macrothrombocytopenia and granulocyte inclusions with or without nephritis or sensorineural hearing loss. Review status: criteria provided, single submitter. Criteria: ACMG Guidelines, 2015. Collection method: clinical testing. Allele origin: germline. Affected: yes. Observed: 2 heterozygotes. Clinical features observed: Macrothrombocytopenia, Presence of neutrophil inclusion bodies, Presence of grey platelets.
Comment: Submitted to GoldVariant by Jose María Bastida and José Rivera; Grupo Español de Alteraciones Plaquetarias Congénitas (GEAPC)

Suma Genomics
Classification: Pathogenic for Macrothrombocytopenia and granulocyte inclusions with or without nephritis or sensorineural hearing loss. Review status: criteria provided, single submitter. Criteria: ACMG Guidelines, 2015. Collection method: clinical testing. Allele origin: germline. Inheritance: Autosomal dominant inheritance. Affected: yes. Observed: 1 heterozygote.

Birmingham Platelet Group; University of Birmingham
Classification: Pathogenic for Thrombocytopenia; Abnormal bleeding. Last evaluated: 2020-05-01. Review status: no assertion criteria provided. Collection method: research. Allele origin: germline. Affected: yes. Not counted in ClinVar's aggregate classification.

OMIM
Classification: Pathogenic for MACROTHROMBOCYTOPENIA AND GRANULOCYTE INCLUSIONS WITH OR WITHOUT NEPHRITIS OR SENSORINEURAL HEARING LOSS. Last evaluated: 2001-11-01. Review status: no assertion criteria provided. Collection method: literature only. Allele origin: germline. Not counted in ClinVar's aggregate classification.

GeneReviews
No classification provided. Condition: Macrothrombocytopenia and granulocyte inclusions with or without nephritis or sensorineural hearing loss. Review status: no classification provided. Collection method: literature only. Allele origin: germline. Not counted in ClinVar's aggregate classification.
Comment: Thrombocytopenia usually remains only disease manifestation throughout life

Literature cited by the submitters: PubMed 15339844 (cited by Women's Health and Genetics/Laboratory Corporation of America, LabCorp and Mayo Clinic Laboratories, Mayo Clinic); PubMed 10973259 (cited by 5 submitters); PubMed 10739770 (cited by Labcorp Genetics (formerly Invitae), Labcorp and OMIM); PubMed 23207509 (cited by Labcorp Genetics (formerly Invitae), Labcorp); PubMed 10973260 (cited by Mayo Clinic Laboratories, Mayo Clinic and OMIM); PubMed 11159552 (cited by Mayo Clinic Laboratories, Mayo Clinic and Victorian Clinical Genetics Services, Murdoch Childrens Research Institute); PubMed 19572073 (cited by Mayo Clinic Laboratories, Mayo Clinic); PubMed 20301740 (cited by Mayo Clinic Laboratories, Mayo Clinic and Victorian Clinical Genetics Services, Murdoch Childrens Research Institute); PubMed 21833445 (cited by Mayo Clinic Laboratories, Mayo Clinic); PubMed 24186861 (cited by 3 submitters); PubMed 29090586 (cited by 3 submitters); PubMed 32545517 (cited by Mayo Clinic Laboratories, Mayo Clinic and Victorian Clinical Genetics Services, Murdoch Childrens Research Institute); PubMed 33855781 (cited by Mayo Clinic Laboratories, Mayo Clinic); PubMed 36404341 (cited by Mayo Clinic Laboratories, Mayo Clinic); PubMed 36945139 (cited by Mayo Clinic Laboratories, Mayo Clinic); PubMed 37328958 (cited by Mayo Clinic Laboratories, Mayo Clinic); PubMed 37752057 (cited by Mayo Clinic Laboratories, Mayo Clinic); PubMed 38134071 (cited by Mayo Clinic Laboratories, Mayo Clinic); PubMed 38558752 (cited by Mayo Clinic Laboratories, Mayo Clinic); PubMed 38650331 (cited by Mayo Clinic Laboratories, Mayo Clinic); PubMed 39309229 (cited by Mayo Clinic Laboratories, Mayo Clinic); PubMed 29068549 (cited by Suma Genomics); PubMed 11590545 (cited by OMIM).